The following is an entry in ClinVar:

ClinVar aggregate classification (germline): Uncertain significance (1 of 4 stars; one submission).

Conditions:
Nephronophthisis. Also called: Juvenile Nephronophthisis. Identifiers: Orphanet 655, MedGen C0687120, MONDO:0019005, HP:0000090.

Allele frequency attached by ClinVar (database versions not stated): TOPMed below 0.00001; gnomAD 0.00001.
gnomAD v4.1: 6 of 1,556,862 alleles (0.00039%); highest among the groups gnomAD compares: Admixed American, 0.0018%; no homozygotes.

Submission:

Labcorp Genetics (formerly Invitae), Labcorp
Classification: Uncertain significance for Nephronophthisis. Last evaluated: 2021-12-15. Review status: criteria provided, single submitter. Criteria: Invitae Variant Classification Sherloc (09022015). Collection method: clinical testing. Allele origin: germline.
Comment: In summary, the available evidence is currently insufficient to determine the role of this variant in disease. Therefore, it has been classified as a Variant of Uncertain Significance. Algorithms developed to predict the effect of missense changes on protein structure and function output the following: SIFT: "Tolerated"; PolyPhen-2: "Benign"; Align-GVGD: "Class C0". The histidine amino acid residue is found in multiple mammalian species, which suggests that this missense change does not adversely affect protein function. This variant has not been reported in the literature in individuals affected with NPHP4-related conditions. This variant is present in population databases (no rsID available, gnomAD 0.003%). This sequence change replaces arginine, which is basic and polar, with histidine, which is basic and polar, at codon 1217 of the NPHP4 protein (p.Arg1217His).

NM_015102.5(NPHP4):c.3650G>A (p.Arg1217His)

Gene: NPHP4 (nephrocystin 4; minus strand). Cytogenetic location: 1p36.31.
Variant type: single nucleotide variant.
Coding change: c.3650G>A on transcript NM_015102.5 (MANE Select); coding-DNA position 3650, G replaced by A.
Protein change: p.Arg1217His; replaces arginine 1217 with histidine.
Molecular consequence: missense variant. On other transcripts: non-coding transcript variant (1).
Genome position (GRCh38, 1-based): chr1:5,865,268, C>T on the plus strand (G>A on the coding strand, the complement: NPHP4 is on the minus strand). VCF-style: chr1-5865268-C-T. GRCh37 (hg19) VCF-style: chr1-5925328-C-T.
Other names: c.2111G>A, p.Arg704His (NM_001291593.2); c.2114G>A, p.Arg705His (NM_001291594.2); short protein forms R705H, R704H, R1217H.
Identifiers: ClinVar variation 1361715 (VCV001361715.4), dbSNP rs1389043961, ClinGen allele CA338050538.